The following is an entry in ClinVar:

NM_000431.4(MVK):c.554T>C (p.Ile185Thr)

Gene: MVK (mevalonate kinase; plus strand). Cytogenetic location: 12q24.11.
Variant type: single nucleotide variant.
Coding change: c.554T>C on transcript NM_000431.4 (MANE Select); coding-DNA position 554, T replaced by C.
Protein change: p.Ile185Thr; replaces isoleucine 185 with threonine.
Molecular consequence: missense variant. On other transcripts: 5 prime UTR variant (1), non-coding transcript variant (4).
Genome position (GRCh38, 1-based): chr12:109,586,048, T>C. VCF-style: chr12-109586048-T-C. GRCh37 (hg19) VCF-style: chr12-110023853-T-C.
Other names: c.554T>C, p.Ile185Thr (NM_001114185.3, NM_001414511.1, NM_001414512.1 and 1 more transcripts); c.398T>C, p.Ile133Thr (NM_001301182.2, NM_001414514.1); c.-29T>C (NM_001414515.1); short protein forms I133T, I185T.
Identifiers: ClinVar variation 4783710 (VCV004783710.1).

ClinVar aggregate classification (germline): Uncertain significance (1 of 4 stars; one submission).

Conditions:
Mevalonic aciduria (MEVA). Identifiers: Orphanet 29, MedGen C1959626, MONDO:0012481, OMIM 610377.
Porokeratosis 3, disseminated superficial actinic type (POROK3). Also called: POROKERATOSIS, DISSEMINATED SUPERFICIAL ACTINIC, 1; POROKERATOSIS 3, MIBELLI TYPE; POROKERATOSIS 3, MULTIPLE TYPES. Identifiers: MedGen C1867981, MONDO:0008293, OMIM 175900.
Hyperimmunoglobulin D with periodic fever (HIDS). Also called: HYPERIMMUNOGLOBULINEMIA D AND PERIODIC FEVER SYNDROME; Hyperimmunoglobulinemia D; Hyperimmunoglobulinemia D with periodic fever. Identifiers: Orphanet 343, MedGen C0398691, MONDO:0009849, OMIM 260920.

Submission:

Labcorp Genetics (formerly Invitae), Labcorp
Classification: Uncertain significance for Mevalonic aciduria; Hyperimmunoglobulin D with periodic fever; Porokeratosis 3, disseminated superficial actinic type. Last evaluated: 2025-12-23. Review status: criteria provided, single submitter. Criteria: Invitae Variant Classification Sherloc (09022015). Collection method: clinical testing. Allele origin: germline.
Comment: This sequence change replaces isoleucine, which is neutral and non-polar, with threonine, which is neutral and polar, at codon 185 of the MVK protein (p.Ile185Thr). This variant is not present in population databases (gnomAD no frequency). This variant has not been reported in the literature in individuals affected with MVK-related conditions. Invitae Evidence Modeling of protein sequence and biophysical properties (such as structural, functional, and spatial information, amino acid conservation, physicochemical variation, residue mobility, and thermodynamic stability) indicates that this missense variant is expected to disrupt MVK protein function with a positive predictive value of 95%. In summary, the available evidence is currently insufficient to determine the role of this variant in disease. Therefore, it has been classified as a Variant of Uncertain Significance.